The following is an entry in ClinVar:

NM_001374353.1(GLI2):c.4466A>G (p.Glu1489Gly)

Gene: GLI2 (GLI family zinc finger 2; plus strand). Cytogenetic location: 2q14.2.
Variant type: single nucleotide variant.
Coding change: c.4466A>G on transcript NM_001374353.1 (MANE Select); coding-DNA position 4466, A replaced by G.
Protein change: p.Glu1489Gly; replaces glutamic acid 1489 with glycine.
Molecular consequence: missense variant.
Genome position (GRCh38, 1-based): chr2:120,990,431, A>G. VCF-style: chr2-120990431-A-G. GRCh37 (hg19) VCF-style: chr2-121748007-A-G.
Other names: c.4517A>G, p.Glu1506Gly (NM_001371271.1, NM_005270.5); c.4091A>G, p.Glu1364Gly (NM_001374354.1); short protein forms E1364G, E1489G, E1506G.
Identifiers: ClinVar variation 1184376 (VCV001184376.2), dbSNP rs754008467, ClinGen allele CA1852636.
Genomic context (GRCh38, chr2:120,990,431, plus strand): 5'-AGCCCTTGCCCTCACCAGGGGTCAACCAGGTGTCCAGCACTGTGGACTCCCAGCTCCTGG[A>G]GGCCCCCCAGATTGACTTCGATGCCATCATGGATGATGGCGATCACTCGAGTTTGTTCTC-3'
Protein context (NP_001361282.1, residues 1479-1499): VSSTVDSQLL[Glu1489Gly]APQIDFDAIM

ClinVar aggregate classification (germline): Uncertain significance. Review status: criteria provided, multiple submitters, no conflicts (2 of 4 stars). 2 submissions from 2 submitters: Uncertain significance (2). Last evaluated 2023-06-12.

Conditions:
Holoprosencephaly 9 (HPE9). Also called: PITUITARY ANOMALIES WITH HOLOPROSENCEPHALY-LIKE FEATURES; HOLOPROSENCEPHALY WITH MICROPHTHALMIA AND FIRST BRANCHIAL ARCH ANOMALIES. Identifiers: Orphanet 2162, MedGen C1835819, MONDO:0012563, OMIM 610829.

Allele frequency attached by ClinVar (database versions not stated): gnomAD exomes below 0.00001; ExAC 0.00001; gnomAD 0.00001; TOPMed 0.00002.
gnomAD v4.1: 2 of 1,613,822 alleles (0.00012%); highest among the groups gnomAD compares: African/African-American, 0.0027%; no homozygotes.

Submissions (2):

GeneDx
Classification: Uncertain significance. Last evaluated: 2023-06-12. Review status: criteria provided, single submitter. Criteria: GeneDx Variant Classification Process June 2021. Collection method: clinical testing. Allele origin: germline. Affected: yes.
Comment: Not observed at significant frequency in large population cohorts (gnomAD); In silico analysis supports that this missense variant has a deleterious effect on protein structure/function; Has not been previously published as pathogenic or benign to our knowledge

New York Genome Center
Classification: Uncertain significance for Holoprosencephaly 9. Last evaluated: 2020-07-14. Review status: criteria provided, single submitter. Criteria: NYGC Assertion Criteria 2020. Collection method: clinical testing. Allele origin: germline. Observed: 1 heterozygote. Study: CSER-NYCKidSeq.